The following is an entry in ClinVar:

ClinVar aggregate classification (germline): Uncertain significance. Review status: criteria provided, multiple submitters, no conflicts (2 of 4 stars). 2 submissions from 2 submitters: Uncertain significance (2). Last evaluated 2022-12-16.

Allele frequency attached by ClinVar (database versions not stated): gnomAD 0.00001; gnomAD exomes 0.00001 and 0.00004; TOPMed 0.00003; ExAC 0.00005.
gnomAD v4.1: 24 of 1,613,776 alleles (0.0015%); highest among the groups gnomAD compares: South Asian, 0.0088%; 1 homozygote.

Submissions (2):

Blueprint Genetics
Classification: Uncertain significance. Last evaluated: 2022-12-16. Review status: criteria provided, single submitter. Criteria: ACMG Guidelines, 2015. Collection method: clinical testing. Allele origin: germline.

Labcorp Genetics (formerly Invitae), Labcorp
Classification: Uncertain significance. Last evaluated: 2022-10-24. Review status: criteria provided, single submitter. Criteria: Invitae Variant Classification Sherloc (09022015). Collection method: clinical testing. Allele origin: germline.
Comment: This sequence change replaces arginine, which is basic and polar, with histidine, which is basic and polar, at codon 755 of the MERTK protein (p.Arg755His). In summary, the available evidence is currently insufficient to determine the role of this variant in disease. Therefore, it has been classified as a Variant of Uncertain Significance. Advanced modeling of protein sequence and biophysical properties (such as structural, functional, and spatial information, amino acid conservation, physicochemical variation, residue mobility, and thermodynamic stability) performed at Invitae indicates that this missense variant is expected to disrupt MERTK protein function. ClinVar contains an entry for this variant (Variation ID: 856133). This variant has not been reported in the literature in individuals affected with MERTK-related conditions. The frequency data for this variant in the population databases is considered unreliable, as metrics indicate poor data quality at this position in the gnomAD database.

NM_006343.3(MERTK):c.2264G>A (p.Arg755His)

Gene: MERTK (MER proto-oncogene, tyrosine kinase; plus strand). Cytogenetic location: 2q13.
Variant type: single nucleotide variant.
Coding change: c.2264G>A on transcript NM_006343.3 (MANE Select); coding-DNA position 2264, G replaced by A.
Protein change: p.Arg755His; replaces arginine 755 with histidine.
Molecular consequence: missense variant.
Genome position (GRCh38, 1-based): chr2:112,021,496, G>A. VCF-style: chr2-112021496-G-A. GRCh37 (hg19) VCF-style: chr2-112779073-G-A.
Other names: short protein forms R755H.
Identifiers: ClinVar variation 856133 (VCV000856133.8), dbSNP rs751840057, ClinGen allele CA1831787.
Genomic context (GRCh38, chr2:112,021,496, plus strand): 5'-TGACTGTCTGTGTTGCGGACTTCGGCCTCTCTAAGAAGATTTACAGTGGCGATTATTACC[G>A]CCAAGGCCGCATTGCTAAGATGCCTGTTAAATGGATCGCCATAGAAAGTCTTGCAGACCG-3'
Protein context (NP_006334.2, residues 745-765): SKKIYSGDYY[Arg755His]QGRIAKMPVK